The following is an entry in ClinVar:

NM_016507.4(CDK12):c.1129T>A (p.Ser377Thr)

Gene: CDK12 (cyclin dependent kinase 12; plus strand). Cytogenetic location: 17q12.
Variant type: single nucleotide variant.
Coding change: c.1129T>A on transcript NM_016507.4 (MANE Select); coding-DNA position 1129, T replaced by A.
Protein change: p.Ser377Thr; replaces serine 377 with threonine.
Molecular consequence: missense variant.
Genome position (GRCh38, 1-based): chr17:39,470,961, T>A. VCF-style: chr17-39470961-T-A. GRCh37 (hg19) VCF-style: chr17-37627214-T-A.
Other names: c.1129T>A, p.Ser377Thr (NM_015083.4); short protein forms S377T.
Identifiers: ClinVar variation 3999491 (VCV003999491.1).

ClinVar aggregate classification (germline): Uncertain significance (1 of 4 stars; one submission).

gnomAD v4.1: 1 of 1,614,106 alleles (0.000062%); highest among the groups gnomAD compares: Admixed American, 0.0017%; no homozygotes.

Submission:

Ambry Genetics
Classification: Uncertain significance. Last evaluated: 2025-05-24. Review status: criteria provided, single submitter. Criteria: Ambry Variant Classification Scheme 2023. Collection method: clinical testing. Allele origin: germline.
Comment: The p.S377T variant (also known as c.1129T>A), located in coding exon 2 of the CDK12 gene, results from a T to A substitution at nucleotide position 1129. The serine at codon 377 is replaced by threonine, an amino acid with similar properties. This amino acid position is conserved. In addition, this alteration is predicted to be tolerated by in silico analysis. Based on the available evidence, the clinical significance of this variant remains unclear.